The following is an entry in ClinVar:

ClinVar aggregate classification (germline): Uncertain significance (1 of 4 stars; one submission).

Submission:

Labcorp Genetics (formerly Invitae), Labcorp
Classification: Uncertain significance. Last evaluated: 2025-06-30. Review status: criteria provided, single submitter. Criteria: Invitae Variant Classification Sherloc (09022015). Collection method: clinical testing. Allele origin: germline.
Comment: This sequence change replaces threonine, which is neutral and polar, with serine, which is neutral and polar, at codon 1875 of the POLE protein (p.Thr1875Ser). This variant is not present in population databases (gnomAD no frequency). This variant has not been reported in the literature in individuals affected with POLE-related conditions. Invitae Evidence Modeling of protein sequence and biophysical properties (such as structural, functional, and spatial information, amino acid conservation, physicochemical variation, residue mobility, and thermodynamic stability) indicates that this missense variant is not expected to disrupt POLE protein function with a negative predictive value of 80%. In summary, the available evidence is currently insufficient to determine the role of this variant in disease. Therefore, it has been classified as a Variant of Uncertain Significance.

NM_006231.4(POLE):c.5623A>T (p.Thr1875Ser)

Gene: POLE (DNA polymerase epsilon, catalytic subunit; minus strand). Cytogenetic location: 12q24.33.
Variant type: single nucleotide variant.
Coding change: c.5623A>T on transcript NM_006231.4 (MANE Select); coding-DNA position 5623, A replaced by T.
Protein change: p.Thr1875Ser; replaces threonine 1875 with serine.
Molecular consequence: missense variant.
Genome position (GRCh38, 1-based): chr12:132,638,069, T>A on the plus strand (A>T on the coding strand, the complement: POLE is on the minus strand). VCF-style: chr12-132638069-T-A. GRCh37 (hg19) VCF-style: chr12-133214655-T-A.
Other names: short protein forms T1875S.
Identifiers: ClinVar variation 4744451 (VCV004744451.1).